The following is an entry in ClinVar:

NM_006922.4(SCN3A):c.3865G>A (p.Ala1289Thr)

Gene: SCN3A (sodium voltage-gated channel alpha subunit 3; minus strand). Cytogenetic location: 2q24.3.
Variant type: single nucleotide variant.
Coding change: c.3865G>A on transcript NM_006922.4 (MANE Select); coding-DNA position 3865, G replaced by A.
Protein change: p.Ala1289Thr; replaces alanine 1289 with threonine.
Molecular consequence: missense variant.
Genome position (GRCh38, 1-based): chr2:165,100,403, C>T on the plus strand (G>A on the coding strand, the complement: SCN3A is on the minus strand). VCF-style: chr2-165100403-C-T. GRCh37 (hg19) VCF-style: chr2-165956913-C-T.
Other names: c.3718G>A, p.Ala1240Thr (NM_001081676.2, NM_001081677.2); short protein forms A1289T, A1240T.
Identifiers: ClinVar variation 3646775 (VCV003646775.2).

ClinVar aggregate classification (germline): Uncertain significance (1 of 4 stars; one submission).

Submission:

Labcorp Genetics (formerly Invitae), Labcorp
Classification: Uncertain significance. Last evaluated: 2024-04-03. Review status: criteria provided, single submitter. Criteria: Invitae Variant Classification Sherloc (09022015). Collection method: clinical testing. Allele origin: germline.
Comment: This sequence change replaces alanine, which is neutral and non-polar, with threonine, which is neutral and polar, at codon 1289 of the SCN3A protein (p.Ala1289Thr). This variant is not present in population databases (gnomAD no frequency). This variant has not been reported in the literature in individuals affected with SCN3A-related conditions. Advanced modeling of protein sequence and biophysical properties (such as structural, functional, and spatial information, amino acid conservation, physicochemical variation, residue mobility, and thermodynamic stability) has been performed at Invitae for this missense variant, however the output from this modeling did not meet the statistical confidence thresholds required to predict the impact of this variant on SCN3A protein function. In summary, the available evidence is currently insufficient to determine the role of this variant in disease. Therefore, it has been classified as a Variant of Uncertain Significance.